The following is an entry in ClinVar:

NM_000069.3(CACNA1S):c.1827+6C>T

Gene: CACNA1S (calcium voltage-gated channel subunit alpha1 S; minus strand). Cytogenetic location: 1q32.1.
Variant type: single nucleotide variant.
Coding change: c.1827+6C>T on transcript NM_000069.3 (MANE Select); 6 bases into the intron after coding-DNA position 1827, C replaced by T.
Molecular consequence: intron variant.
Genome position (GRCh38, 1-based): chr1:201,076,914, G>A on the plus strand (C>T on the coding strand, the complement: CACNA1S is on the minus strand). VCF-style: chr1-201076914-G-A. GRCh37 (hg19) VCF-style: chr1-201046042-G-A.
Identifiers: ClinVar variation 569254 (VCV000569254.13), dbSNP rs202244301, ClinGen allele CA078600.
Genomic context (GRCh38, chr1:201,076,914, plus strand): 5'-CTTGAAGGACAAGAAGCAGGATTCAGCAACCGTTCAGAAGGAGGGACACGCAGAGGGAGA[G>A]CCTACCTGGAAGACGCTGATGAGGGCTTGGGGAAAGTTGTCAAAGTTGCTGCGCCGTACT-3'

ClinVar aggregate classification (germline): Uncertain significance. Review status: criteria provided, multiple submitters, no conflicts (2 of 4 stars). 9 submissions from 6 submitters: Uncertain significance (8). 1 of the submissions does not count toward it. Last evaluated 2024-09-23.

Conditions:
CACNA1S-related disorder. Also called: CACNA1S-related condition.
Thyrotoxic periodic paralysis, susceptibility to, 1 (TTPP1). Identifiers: Orphanet 79102, MedGen C2749982, MONDO:0008570, OMIM 188580.
Malignant hyperthermia, susceptibility to, 5 (MHS5). Also called: CACNA1S-Related Malignant Hyperthermia Susceptibility. Identifiers: Orphanet 423, MedGen C1866077, MONDO:0011163, OMIM 601887.
Hypokalemic periodic paralysis, type 1. Also called: HypoPP; Hypokalemic Periodic Paralysis Type 1 (AD). Identifiers: Orphanet 681, MedGen C3714580, MONDO:0042979, OMIM 170400.
Congenital myopathy 18. Also called: DIHYDROPYRIDINE RECEPTOR CONGENITAL MYOPATHY; DHPR CONGENITAL MYOPATHY; Myopathy, congenital, due to dihydropyridine receptor defect. Identifiers: MedGen C5830283, MONDO:0859514, OMIM 620246.

Allele frequency attached by ClinVar (database versions not stated): gnomAD 0.00001; ExAC 0.00002; gnomAD exomes 0.00002 and 0.00003; TOPMed 0.00003.

Submissions (9):

All of Us Research Program, National Institutes of Health
Classification: Uncertain significance for Malignant hyperthermia, susceptibility to, 5. Last evaluated: 2024-09-23. Review status: criteria provided, single submitter. Criteria: ACMG Guidelines, 2015. Collection method: clinical testing. Allele origin: germline. Inheritance: Autosomal dominant inheritance. Observed: 9 variant alleles, 9 heterozygotes.
Comment: This variant causes a C to T nucleotide substitution at the +6 position of intron 12 of the CACNA1S gene. To our knowledge, functional studies have not been reported for this variant. This variant has not been reported in individuals affected with CACNA1S-related disorders in the literature. This variant has been identified in 5/251490 chromosomes in the general population by the Genome Aggregation Database (gnomAD). The available evidence is insufficient to determine the role of this variant in disease conclusively. Therefore, this variant is classified as a Variant of Uncertain Significance.

This study involves interpretation of variants in research participants for the purpose of population health screening. Participant phenotype was not available at the time of variant classification. Additional details can be found in publication PMID: 35346344, PMCID: PMC8962531

Color Diagnostics, LLC DBA Color Health
Classification: Uncertain significance for Malignant hyperthermia, susceptibility to, 5. Last evaluated: 2024-04-10. Review status: criteria provided, single submitter. Criteria: ACMG Guidelines, 2015. Collection method: clinical testing. Allele origin: germline.
Comment: This variant causes a C to T nucleotide substitution at the +6 position of intron 12 of the CACNA1S gene. To our knowledge, functional studies have not been reported for this variant. This variant has not been reported in individuals affected with CACNA1S-related disorders in the literature. This variant has been identified in 5/251490 chromosomes in the general population by the Genome Aggregation Database (gnomAD). The available evidence is insufficient to determine the role of this variant in disease conclusively. Therefore, this variant is classified as a Variant of Uncertain Significance.

Genome-Nilou Lab
Classification: Uncertain significance for Malignant hyperthermia, susceptibility to, 5. Last evaluated: 2023-04-11. Review status: criteria provided, single submitter. Criteria: ACMG Guidelines, 2015. Collection method: clinical testing. Allele origin: germline. Affected: no.

Genome-Nilou Lab
Classification: Uncertain significance for Thyrotoxic periodic paralysis, susceptibility to, 1. Last evaluated: 2023-04-11. Review status: criteria provided, single submitter. Criteria: ACMG Guidelines, 2015. Collection method: clinical testing. Allele origin: germline. Affected: no.

Genome-Nilou Lab
Classification: Uncertain significance for Congenital myopathy 18. Last evaluated: 2023-04-11. Review status: criteria provided, single submitter. Criteria: ACMG Guidelines, 2015. Collection method: clinical testing. Allele origin: germline. Affected: no.

Genome-Nilou Lab
Classification: Uncertain significance for Hypokalemic periodic paralysis, type 1. Last evaluated: 2023-04-11. Review status: criteria provided, single submitter. Criteria: ACMG Guidelines, 2015. Collection method: clinical testing. Allele origin: germline. Affected: no.

Labcorp Genetics (formerly Invitae), Labcorp
Classification: Uncertain significance for Hypokalemic periodic paralysis, type 1; Malignant hyperthermia, susceptibility to, 5. Last evaluated: 2022-11-01. Review status: criteria provided, single submitter. Criteria: Invitae Variant Classification Sherloc (09022015). Collection method: clinical testing. Allele origin: germline.
Comment: This sequence change falls in intron 12 of the CACNA1S gene. It does not directly change the encoded amino acid sequence of the CACNA1S protein. It affects a nucleotide within the consensus splice site. This variant is present in population databases (rs202244301, gnomAD 0.004%). This variant has not been reported in the literature in individuals affected with CACNA1S-related conditions. ClinVar contains an entry for this variant (Variation ID: 569254). Variants that disrupt the consensus splice site are a relatively common cause of aberrant splicing (PMID: 17576681, 9536098). Algorithms developed to predict the effect of sequence changes on RNA splicing suggest that this variant is not likely to affect RNA splicing. In summary, the available evidence is currently insufficient to determine the role of this variant in disease. Therefore, it has been classified as a Variant of Uncertain Significance.

Fulgent Genetics
Classification: Uncertain significance for Hypokalemic periodic paralysis, type 1; Thyrotoxic periodic paralysis, susceptibility to, 1; Malignant hyperthermia, susceptibility to, 5. Last evaluated: 2022-01-17. Review status: criteria provided, single submitter. Criteria: ACMG Guidelines, 2015. Collection method: clinical testing. Allele origin: unknown.

PreventionGenetics, part of Exact Sciences
Classification: Likely benign for CACNA1S-related condition. Last evaluated: 2020-09-30. Review status: no assertion criteria provided. Collection method: clinical testing. Allele origin: germline. Not counted in ClinVar's aggregate classification.
Comment: This variant is classified as likely benign based on ACMG/AMP sequence variant interpretation guidelines (Richards et al. 2015 PMID: 25741868, with internal and published modifications).

Literature cited by the submitters: PubMed 17576681 (cited by Labcorp Genetics (formerly Invitae), Labcorp); PubMed 9536098 (cited by Labcorp Genetics (formerly Invitae), Labcorp).